The following is an entry in ClinVar:

NM_000459.5(TEK):c.3301-15T>C

Gene: TEK (TEK receptor tyrosine kinase; plus strand). Cytogenetic location: 9p21.2.
Variant type: single nucleotide variant.
Coding change: c.3301-15T>C on transcript NM_000459.5 (MANE Select); 15 bases into the intron before coding-DNA position 3301, T replaced by C.
Molecular consequence: intron variant.
Genome position (GRCh38, 1-based): chr9:27,229,143, T>C. VCF-style: chr9-27229143-T-C. GRCh37 (hg19) VCF-style: chr9-27229141-T-C.
Other names: c.3172-15T>C (NM_001290077.2); c.2857-15T>C (NM_001290078.2); c.3298-15T>C (NM_001375475.1); c.3169-15T>C (NM_001375476.1).
Identifiers: ClinVar variation 366455 (VCV000366455.19), dbSNP rs2273715, ClinGen allele CA5016828.
Genomic context (GRCh38, chr9:27,229,143, plus strand): 5'-GGTATTGCTGTAACTGCCGCTGGCAGAGGTGGAATCAAAGCAGCCTATGTCTCTGAACCA[T>C]TTTCATTCTTCCAGACCTACGTGAATACCACGCTTTATGAGAAGTTTACTTATGCAGGAA-3'

ClinVar aggregate classification (germline): Benign. Review status: criteria provided, multiple submitters, no conflicts (2 of 4 stars). 5 submissions from 5 submitters: Benign (5). Last evaluated 2026-01-27.

Conditions:
Multiple cutaneous and mucosal venous malformations (VMCM). Also called: TEK-Related Multiple Cutaneous and Mucosal Venous Malformations (VMCM). Identifiers: Orphanet 2451, MedGen C1838437, MONDO:0010842, OMIM 600195.

Allele frequency attached by ClinVar (database versions not stated): gnomAD exomes 0.15874 and 0.16695; ExAC 0.17237; gnomAD 0.20479 and 0.20881; ESP Exome Variant Server 0.21113; TOPMed 0.21204; 1000 Genomes Project 0.22304; 1000 Genomes Project 30x 0.22423.
gnomAD v4.1: 263,676 of 1,612,466 alleles (16%); highest among the groups gnomAD compares: African/African-American, 34%; 23,544 homozygotes.

Submissions (5):

Labcorp Genetics (formerly Invitae), Labcorp
Classification: Benign. Last evaluated: 2026-01-27. Review status: criteria provided, single submitter. Criteria: Invitae Variant Classification Sherloc (09022015). Collection method: clinical testing. Allele origin: germline.

Blueprint Genetics
Classification: Benign. Last evaluated: 2024-11-27. Review status: criteria provided, single submitter. Criteria: ACMG Guidelines, 2015. Collection method: clinical testing. Allele origin: germline.

GeneDx
Classification: Benign. Last evaluated: 2021-05-15. Review status: criteria provided, single submitter. Criteria: GeneDx Variant Classification Process June 2021. Collection method: clinical testing. Allele origin: germline. Affected: yes.

Illumina Laboratory Services, Illumina
Classification: Benign for Multiple cutaneous and mucosal venous malformations. Last evaluated: 2018-01-13. Review status: criteria provided, single submitter. Criteria: ICSL Variant Classification Criteria 13 December 2019. Collection method: clinical testing. Allele origin: germline.
Comment: This variant was observed in the ICSL laboratory as part of a predisposition screen in an ostensibly healthy population. It had not been previously curated by ICSL or reported in the Human Gene Mutation Database (HGMD: prior to June 1st, 2018), and was therefore a candidate for classification through an automated scoring system. Utilizing variant allele frequency, disease prevalence and penetrance estimates, and inheritance mode, an automated score was calculated to assess if this variant is too frequent to cause the disease. Based on the score and internal cut-off values, a variant classified as benign is not then subjected to further curation. The score for this variant resulted in a classification of benign for this disease.

Breakthrough Genomics
Classification: Benign. Review status: criteria provided, single submitter. Criteria: ACMG Guidelines, 2015. Collection method: not provided. Allele origin: germline. Inheritance: Autosomal dominant inheritance. Affected: yes.